The following is an entry in ClinVar:

NM_000059.4(BRCA2):c.9160C>G (p.Pro3054Ala)

Gene: BRCA2 (BRCA2 DNA repair associated; plus strand). Cytogenetic location: 13q13.1.
Variant type: single nucleotide variant.
Coding change: c.9160C>G on transcript NM_000059.4 (MANE Select); coding-DNA position 9160, C replaced by G.
Protein change: p.Pro3054Ala; replaces proline 3054 with alanine.
Molecular consequence: missense variant.
Genome position (GRCh38, 1-based): chr13:32,380,049, C>G. VCF-style: chr13-32380049-C-G. GRCh37 (hg19) VCF-style: chr13-32954186-C-G.
Other names: short protein forms P3054A.
Identifiers: ClinVar variation 946974 (VCV000946974.12), dbSNP rs786204070, ClinGen allele CA387757957.

ClinVar aggregate classification (germline): Uncertain significance. Review status: criteria provided, multiple submitters, no conflicts (2 of 4 stars). 2 submissions from 2 submitters: Uncertain significance (2). Last evaluated 2022-02-15.

Conditions:
Hereditary cancer-predisposing syndrome. Also called: Hereditary neoplastic syndrome; Neoplastic Syndromes, Hereditary; Tumor predisposition; Hereditary Cancer Syndrome. Identifiers: Orphanet 140162, MedGen C0027672, MeSH D009386, MONDO:0015356.
Hereditary breast ovarian cancer syndrome. Also called: Hereditary breast and/or ovarian cancer syndrome; Hereditary breast and ovarian cancer syndrome; Hereditary breast and ovarian cancer syndrome (HBOC); Breast and ovarian cancer; BRCA1- and BRCA2-Associated Hereditary Breast and Ovarian Cancer; Hereditary breast and ovarian cancer. Identifiers: Orphanet 145, MedGen C0677776, MeSH D061325, MONDO:0003582. Disease mechanism: loss of function.

Submissions (2):

Ambry Genetics
Classification: Uncertain significance for Hereditary cancer-predisposing syndrome. Last evaluated: 2022-02-15. Review status: criteria provided, single submitter. Criteria: Ambry Variant Classification Scheme 2023. Collection method: clinical testing. Allele origin: germline.
Comment: The p.P3054A variant (also known as c.9160C>G), located in coding exon 23 of the BRCA2 gene, results from a C to G substitution at nucleotide position 9160. The proline at codon 3054 is replaced by alanine, an amino acid with highly similar properties. This amino acid position is conserved. In addition, this alteration is predicted to be tolerated by in silico analysis. Since supporting evidence is limited at this time, the clinical significance of this alteration remains unclear.

Labcorp Genetics (formerly Invitae), Labcorp
Classification: Uncertain significance for Hereditary breast ovarian cancer syndrome. Last evaluated: 2019-05-02. Review status: criteria provided, single submitter. Criteria: Invitae Variant Classification Sherloc (09022015). Collection method: clinical testing. Allele origin: germline.
Comment: Algorithms developed to predict the effect of missense changes on protein structure and function output the following: SIFT: "Tolerated"; PolyPhen-2: "Benign"; Align-GVGD: "Class C0". The alanine amino acid residue is found in multiple mammalian species, suggesting that this missense change does not adversely affect protein function. These predictions have not been confirmed by published functional studies and their clinical significance is uncertain. In summary, the available evidence is currently insufficient to determine the role of this variant in disease. Therefore, it has been classified as a Variant of Uncertain Significance. This variant has not been reported in the literature in individuals with BRCA2-related conditions. This variant is not present in population databases (ExAC no frequency). This sequence change replaces proline with alanine at codon 3054 of the BRCA2 protein (p.Pro3054Ala). The proline residue is weakly conserved and there is a small physicochemical difference between proline and alanine.